The following is an entry in ClinVar:

NM_001084.5(PLOD3):c.1127+8G>A

Gene: PLOD3 (procollagen-lysine,2-oxoglutarate 5-dioxygenase 3; minus strand). Cytogenetic location: 7q22.1.
Variant type: single nucleotide variant.
Coding change: c.1127+8G>A on transcript NM_001084.5 (MANE Select); 8 bases into the intron after coding-DNA position 1127, G replaced by A.
Molecular consequence: intron variant.
Genome position (GRCh38, 1-based): chr7:101,212,245, C>T on the plus strand (G>A on the coding strand, the complement: PLOD3 is on the minus strand). VCF-style: chr7-101212245-C-T. GRCh37 (hg19) VCF-style: chr7-100855526-C-T.
Other names: c.1127+8G>A (NM_001084.4).
Identifiers: ClinVar variation 2988398 (VCV002988398.5), dbSNP rs1476358704, ClinGen allele CA830565975.

ClinVar aggregate classification (germline): Likely benign. Review status: criteria provided, single submitter (1 of 4 stars). 2 submissions from 2 submitters: Likely benign (1). 1 of the submissions does not count toward it. Last evaluated 2025-04-28.

Conditions:
PLOD3-related disorder. Also called: PLOD3-related condition.

Allele frequency attached by ClinVar (database versions not stated): TOPMed 0.00001; gnomAD 0.00001.
gnomAD v4.1: 5 of 1,611,988 alleles (0.00031%); highest among the groups gnomAD compares: Non-Finnish European, 0.00042%; no homozygotes.

Submissions (2):

Labcorp Genetics (formerly Invitae), Labcorp
Classification: Likely benign. Last evaluated: 2025-04-28. Review status: criteria provided, single submitter. Criteria: Invitae Variant Classification Sherloc (09022015). Collection method: clinical testing. Allele origin: germline.

PreventionGenetics, part of Exact Sciences
Classification: Likely benign for PLOD3-related condition. Last evaluated: 2020-01-13. Review status: no assertion criteria provided. Collection method: clinical testing. Allele origin: germline. Not counted in ClinVar's aggregate classification.
Comment: This variant is classified as likely benign based on ACMG/AMP sequence variant interpretation guidelines (Richards et al. 2015 PMID: 25741868, with internal and published modifications).